The following is an entry in ClinVar:

NM_003640.5(ELP1):c.3513T>C (p.Ser1171=)

Gene: ELP1 (elongator acetyltransferase complex subunit 1; minus strand). Cytogenetic location: 9q31.3.
Variant type: single nucleotide variant.
Coding change: c.3513T>C on transcript NM_003640.5 (MANE Select); coding-DNA position 3513, T replaced by C.
Protein change: p.Ser1171=; no amino-acid change (serine 1171 retained).
Molecular consequence: synonymous variant.
Genome position (GRCh38, 1-based): chr9:108,879,505, A>G on the plus strand (T>C on the coding strand, the complement: ELP1 is on the minus strand). VCF-style: chr9-108879505-A-G. GRCh37 (hg19) VCF-style: chr9-111641785-A-G.
Other names: c.3513T>C (LRG_251t1, NM_003640.4); c.3171T>C, p.Ser1057= (NM_001318360.2); c.2466T>C, p.Ser822= (NM_001330749.2).
Identifiers: ClinVar variation 364556 (VCV000364556.19), dbSNP rs199617076, ClinGen allele CA5174275.

ClinVar aggregate classification (germline): Conflicting classifications of pathogenicity. Review status: criteria provided, conflicting classifications (1 of 4 stars). 5 submissions from 5 submitters: Uncertain significance (1); Likely benign (3). 1 of the submissions does not count toward it. Last evaluated 2025-12-05.

Conditions:
ELP1-related disorder. Also called: ELP1-related condition.
Familial dysautonomia. Also called: FD; HSAN III. Identifiers: Orphanet 1764, MedGen C0013364, MONDO:0009131, OMIM 223900. Disease mechanism: loss of function.

Allele frequency attached by ClinVar (database versions not stated): gnomAD 0.00001 and 0.00004; TOPMed 0.00003; ExAC 0.00011; gnomAD exomes 0.00011 and 0.00015; 1000 Genomes Project 30x 0.00016; 1000 Genomes Project 0.00020.
gnomAD v4.1: 222 of 1,614,118 alleles (0.014%); highest among the groups gnomAD compares: East Asian, 0.49%; 1 homozygote.

Submissions (5):

PreventionGenetics, part of Exact Sciences
Classification: Likely benign for ELP1-related condition. Last evaluated: 2025-12-05. Review status: criteria provided, single submitter. Criteria: ACMG Guidelines, 2015. Collection method: clinical testing. Allele origin: germline.
Comment: This variant is classified as likely benign based on ACMG/AMP sequence variant interpretation guidelines (Richards et al. 2015 PMID: 25741868, with internal and published modifications).

Labcorp Genetics (formerly Invitae), Labcorp
Classification: Likely benign. Last evaluated: 2025-08-24. Review status: criteria provided, single submitter. Criteria: Invitae Variant Classification Sherloc (09022015). Collection method: clinical testing. Allele origin: germline.

Ambry Genetics
Classification: Likely benign. Last evaluated: 2022-08-10. Review status: criteria provided, single submitter. Criteria: Ambry Variant Classification Scheme 2023. Collection method: clinical testing. Allele origin: germline.

Illumina Laboratory Services, Illumina
Classification: Uncertain significance for Familial dysautonomia. Last evaluated: 2018-01-12. Review status: criteria provided, single submitter. Criteria: ICSL Variant Classification Criteria 13 December 2019. Collection method: clinical testing. Allele origin: germline.

Natera, Inc.
Classification: Uncertain significance for Hereditary sensory and autonomic neuropathy type III. Last evaluated: 2020-01-17. Review status: no assertion criteria provided. Collection method: clinical testing. Allele origin: germline. Not counted in ClinVar's aggregate classification.